The following is an entry in ClinVar:

NM_014714.4(IFT140):c.2689C>T (p.Arg897Cys)

Gene: IFT140 (intraflagellar transport 140; minus strand). Cytogenetic location: 16p13.3.
Variant type: single nucleotide variant.
Coding change: c.2689C>T on transcript NM_014714.4 (MANE Select); coding-DNA position 2689, C replaced by T.
Protein change: p.Arg897Cys; replaces arginine 897 with cysteine.
Molecular consequence: missense variant.
Genome position (GRCh38, 1-based): chr16:1,525,966, G>A on the plus strand (C>T on the coding strand, the complement: IFT140 is on the minus strand). VCF-style: chr16-1525966-G-A. GRCh37 (hg19) VCF-style: chr16-1575967-G-A.
Other names: short protein forms R897C.
Identifiers: ClinVar variation 1001227 (VCV001001227.6), dbSNP rs769761601, ClinGen allele CA7813530.

ClinVar aggregate classification (germline): Uncertain significance. Review status: criteria provided, multiple submitters, no conflicts (2 of 4 stars). 2 submissions from 2 submitters: Uncertain significance (2). Last evaluated 2024-07-25.

Conditions:
Saldino-Mainzer syndrome (SRTD9). Also called: CONORENAL SYNDROME; Renal dysplasia, retinal pigmentary dystrophy, cerebellar ataxia and skeletal dysplasia; short-rib thoracic dysplasia 9 with or without polydactyly; SHORT-RIB THORACIC DYSPLASIA 9 WITHOUT POLYDACTYLY. Identifiers: Orphanet 140969, MedGen C1849437, MONDO:0009964, OMIM 266920.

Allele frequency attached by ClinVar (database versions not stated): gnomAD exomes below 0.00001 and 0.00001; TOPMed below 0.00001; ExAC 0.00003.
gnomAD v4.1: 3 of 1,587,426 alleles (0.00019%); highest among the groups gnomAD compares: East Asian, 0.0023%; no homozygotes.

Submissions (2):

Blueprint Genetics
Classification: Uncertain significance. Last evaluated: 2024-07-25. Review status: criteria provided, single submitter. Criteria: ACMG Guidelines, 2015. Collection method: clinical testing. Allele origin: germline.

Labcorp Genetics (formerly Invitae), Labcorp
Classification: Uncertain significance for Saldino-Mainzer syndrome. Last evaluated: 2022-08-16. Review status: criteria provided, single submitter. Criteria: Invitae Variant Classification Sherloc (09022015). Collection method: clinical testing. Allele origin: germline.
Comment: In summary, the available evidence is currently insufficient to determine the role of this variant in disease. Therefore, it has been classified as a Variant of Uncertain Significance. Algorithms developed to predict the effect of missense changes on protein structure and function are either unavailable or do not agree on the potential impact of this missense change (SIFT: "Deleterious"; PolyPhen-2: "Probably Damaging"; Align-GVGD: "Class C0"). This sequence change replaces arginine, which is basic and polar, with cysteine, which is neutral and slightly polar, at codon 897 of the IFT140 protein (p.Arg897Cys). The frequency data for this variant in the population databases is considered unreliable, as metrics indicate poor data quality at this position in the gnomAD database. This variant has not been reported in the literature in individuals affected with IFT140-related conditions. ClinVar contains an entry for this variant (Variation ID: 1001227).